The following is an entry in ClinVar:

NM_002529.4(NTRK1):c.63C>G (p.Ser21Arg)

Gene: NTRK1 (neurotrophic receptor tyrosine kinase 1; plus strand). Cytogenetic location: 1q23.1.
Variant type: single nucleotide variant.
Coding change: c.63C>G on transcript NM_002529.4 (MANE Select); coding-DNA position 63, C replaced by G.
Protein change: p.Ser21Arg; replaces serine 21 with arginine.
Molecular consequence: missense variant. On other transcripts: intron variant (1).
Genome position (GRCh38, 1-based): chr1:156,860,997, C>G. VCF-style: chr1-156860997-C-G. GRCh37 (hg19) VCF-style: chr1-156830789-C-G.
Other names: c.63C>G, p.Ser21Arg (NM_001012331.2); c.123-3357C>G (NM_001007792.1); short protein forms S21R.
Identifiers: ClinVar variation 1388397 (VCV001388397.5), dbSNP rs1269566553, ClinGen allele CA342929184.

ClinVar aggregate classification (germline): Uncertain significance (1 of 4 stars; one submission).

Conditions:
Hereditary insensitivity to pain with anhidrosis (CIPA). Also called: INSENSITIVITY TO PAIN, CONGENITAL, WITH ANHIDROSIS; hereditary sensory and autonomic neuropathy type 4; HSAN Type IV; NEUROPATHY, CONGENITAL SENSORY, WITH ANHIDROSIS; NTRK1 Congenital Insensitivity to Pain with Anhidrosis; FAMILIAL DYSAUTONOMIA, TYPE II. Identifiers: Orphanet 642, MedGen C0020074, MONDO:0009746, OMIM 256800.

Allele frequency attached by ClinVar (database versions not stated): TOPMed 0.00001.
gnomAD v4.1: 10 of 1,531,214 alleles (0.00065%); highest among the groups gnomAD compares: African/African-American, 0.014%; no homozygotes.

Submission:

Labcorp Genetics (formerly Invitae), Labcorp
Classification: Uncertain significance for Hereditary insensitivity to pain with anhidrosis. Last evaluated: 2021-09-01. Review status: criteria provided, single submitter. Criteria: Invitae Variant Classification Sherloc (09022015). Collection method: clinical testing. Allele origin: germline.
Comment: This sequence change replaces serine with arginine at codon 21 of the NTRK1 protein (p.Ser21Arg). The serine residue is moderately conserved and there is a moderate physicochemical difference between serine and arginine. The frequency data for this variant in the population databases is considered unreliable, as metrics indicate insufficient coverage at this position in the ExAC database. This variant has not been reported in the literature in individuals affected with NTRK1-related conditions. Algorithms developed to predict the effect of missense changes on protein structure and function output the following: SIFT: "Deleterious"; PolyPhen-2: "Benign"; Align-GVGD: "Class C0". The arginine amino acid residue is found in multiple mammalian species, which suggests that this missense change does not adversely affect protein function. In summary, the available evidence is currently insufficient to determine the role of this variant in disease. Therefore, it has been classified as a Variant of Uncertain Significance.